The following is an entry in ClinVar:

NM_016204.4(GDF2):c.1075G>A (p.Gly359Ser)

Gene: GDF2 (growth differentiation factor 2; plus strand). Cytogenetic location: 10q11.22.
Variant type: single nucleotide variant.
Coding change: c.1075G>A on transcript NM_016204.4 (MANE Select); coding-DNA position 1075, G replaced by A.
Protein change: p.Gly359Ser; replaces glycine 359 with serine.
Molecular consequence: missense variant.
Genome position (GRCh38, 1-based): chr10:47,325,569, G>A. VCF-style: chr10-47325569-G-A. GRCh37 (hg19) VCF-style: chr10-48413793-C-T.
Other names: c.1075G>A (NM_016204.1); short protein forms G359S.
Identifiers: ClinVar variation 1048659 (VCV001048659.3), dbSNP rs1272846013, ClinGen allele CA376657765.

ClinVar aggregate classification (germline): Uncertain significance. Review status: criteria provided, multiple submitters, no conflicts (2 of 4 stars). 3 submissions from 3 submitters: Uncertain significance (3). Last evaluated 2026-07-01.

Conditions:
Telangiectasia, hereditary hemorrhagic, type 5 (HHT5). Identifiers: Orphanet 774, MedGen C3809710, MONDO:0014217, OMIM 615506.
Cardiovascular phenotype. Identifiers: MedGen CN230736.

Allele frequency attached by ClinVar (database versions not stated): TOPMed 0.00004; gnomAD exomes below 0.00001; gnomAD 0.00002.

Submissions (3):

Ambry Genetics
Classification: Uncertain significance for Cardiovascular phenotype. Last evaluated: 2026-07-01. Review status: criteria provided, single submitter. Criteria: Ambry Variant Classification Scheme 2023. Collection method: clinical testing. Allele origin: germline.
Comment: The p.G359S variant (also known as c.1075G>A), located in coding exon 2 of the GDF2 gene, results from a G to A substitution at nucleotide position 1075. The glycine at codon 359 is replaced by serine, an amino acid with similar properties. This amino acid position is conserved. Based on the available evidence, the clinical significance of this variant remains unclear.

Labcorp Genetics (formerly Invitae), Labcorp
Classification: Uncertain significance for Telangiectasia, hereditary hemorrhagic, type 5. Last evaluated: 2025-01-07. Review status: criteria provided, single submitter. Criteria: Invitae Variant Classification Sherloc (09022015). Collection method: clinical testing. Allele origin: germline.
Comment: This sequence change replaces glycine, which is neutral and non-polar, with serine, which is neutral and polar, at codon 359 of the GDF2 protein (p.Gly359Ser). This variant is present in population databases (no rsID available, gnomAD 0.002%). This variant has not been reported in the literature in individuals affected with GDF2-related conditions. ClinVar contains an entry for this variant (Variation ID: 1048659). Invitae Evidence Modeling of protein sequence and biophysical properties (such as structural, functional, and spatial information, amino acid conservation, physicochemical variation, residue mobility, and thermodynamic stability) indicates that this missense variant is not expected to disrupt GDF2 protein function with a negative predictive value of 80%. In summary, the available evidence is currently insufficient to determine the role of this variant in disease. Therefore, it has been classified as a Variant of Uncertain Significance.

MVZ Martinsried, Medicover Genetics
Classification: Uncertain significance for Telangiectasia, hereditary hemorrhagic, type 5. Last evaluated: 2020-12-11. Review status: criteria provided, single submitter. Criteria: ACGS Guidelines, 2020. Collection method: clinical testing. Allele origin: unknown. Affected: yes.